The following is an entry in ClinVar:

NM_014014.5(SNRNP200):c.3175-5T>C

Gene: SNRNP200 (small nuclear ribonucleoprotein U5 subunit 200; minus strand). Cytogenetic location: 2q11.2.
Variant type: single nucleotide variant.
Coding change: c.3175-5T>C on transcript NM_014014.5 (MANE Select); 5 bases into the intron before coding-DNA position 3175, T replaced by C.
Molecular consequence: intron variant.
Genome position (GRCh38, 1-based): chr2:96,288,751, A>G on the plus strand (T>C on the coding strand, the complement: SNRNP200 is on the minus strand). VCF-style: chr2-96288751-A-G. GRCh37 (hg19) VCF-style: chr2-96954489-A-G.
Other names: c.3175-5T>C (NM_014014.4).
Identifiers: ClinVar variation 1137353 (VCV001137353.11), dbSNP rs567851665, ClinGen allele CA1778525.

ClinVar aggregate classification (germline): Likely benign. Review status: criteria provided, multiple submitters, no conflicts (2 of 4 stars). 3 submissions from 3 submitters: Likely benign (3). Last evaluated 2026-04-16.

Conditions:
SNRNP200-related disorder. Also called: SNRNP200-related condition.

Allele frequency attached by ClinVar (database versions not stated): gnomAD 0.00006 and 0.00009; gnomAD exomes 0.00009 and 0.00015; TOPMed 0.00009; ExAC 0.00018; 1000 Genomes Project 0.00020; 1000 Genomes Project 30x 0.00031.
gnomAD v4.1: 148 of 1,613,782 alleles (0.0092%); highest among the groups gnomAD compares: Middle Eastern, 0.12%; no homozygotes.

Submissions (3):

PreventionGenetics, part of Exact Sciences
Classification: Likely benign for SNRNP200-related condition. Last evaluated: 2026-04-16. Review status: criteria provided, single submitter. Criteria: ACMG Guidelines, 2015. Collection method: clinical testing. Allele origin: germline.
Comment: This variant is classified as likely benign based on ACMG/AMP sequence variant interpretation guidelines (Richards et al. 2015 PMID: 25741868, with internal and published modifications).

Labcorp Genetics (formerly Invitae), Labcorp
Classification: Likely benign. Last evaluated: 2025-12-08. Review status: criteria provided, single submitter. Criteria: Invitae Variant Classification Sherloc (09022015). Collection method: clinical testing. Allele origin: germline.

Blueprint Genetics
Classification: Likely benign. Last evaluated: 2023-11-20. Review status: criteria provided, single submitter. Criteria: ACMG Guidelines, 2015. Collection method: clinical testing. Allele origin: germline.